The following is an entry in ClinVar:

NM_017852.5(NLRP2):c.1389C>T (p.Ser463=)

Gene: NLRP2 (NLR family pyrin domain containing 2; plus strand). Cytogenetic location: 19q13.42.
Variant type: single nucleotide variant.
Coding change: c.1389C>T on transcript NM_017852.5 (MANE Select); coding-DNA position 1389, C replaced by T.
Protein change: p.Ser463=; no amino-acid change (serine 463 retained).
Molecular consequence: synonymous variant. On other transcripts: non-coding transcript variant (1).
Genome position (GRCh38, 1-based): chr19:54,983,087, C>T. VCF-style: chr19-54983087-C-T. GRCh37 (hg19) VCF-style: chr19-55494455-C-T.
Other names: c.1389C>T, p.Ser463= (NM_001174081.3); c.1323C>T, p.Ser441= (NM_001174082.3); c.1320C>T, p.Ser440= (NM_001174083.2); c.1380C>T, p.Ser460= (NM_001348003.2).
Identifiers: ClinVar variation 3040883 (VCV003040883.2), dbSNP rs532892505, ClinGen allele CA310104571.
Genomic context (GRCh38, chr19:54,983,087, plus strand): 5'-GCGGGGCGCGCTGCGGACGCTGAGCCTCCTGGCCGCGCAGGGCCTGTGGGCGCAGACGTC[C>T]GTGCTTCACCGAGAGGATCTGGAAAGGCTCGGGGTGCAGGAGTCCGACCTCCGTCTGTTC-3'
Protein context (NP_060322.1, residues 453-473): LAAQGLWAQT[Ser463=]VLHREDLERL

ClinVar aggregate classification (germline): Likely benign (0 of 4 stars; one submission).

Conditions:
NLRP2-related disorder. Also called: NLRP2-related condition.

Allele frequency attached by ClinVar (database versions not stated): gnomAD exomes 0.00013; ExAC 0.00040; 1000 Genomes Project 0.00060; 1000 Genomes Project 30x 0.00062; gnomAD 0.00122; TOPMed 0.00129.
gnomAD v4.1: 370 of 1,613,174 alleles (0.023%); highest among the groups gnomAD compares: African/African-American, 0.46%; 1 homozygote.

Submission:

PreventionGenetics, part of Exact Sciences
Classification: Likely benign for NLRP2-related condition. Last evaluated: 2019-03-04. Review status: no assertion criteria provided. Collection method: clinical testing. Allele origin: germline.
Comment: This variant is classified as likely benign based on ACMG/AMP sequence variant interpretation guidelines (Richards et al. 2015 PMID: 25741868, with internal and published modifications).